The following is an entry in ClinVar:

ClinVar aggregate classification (germline): Benign. Review status: criteria provided, multiple submitters, no conflicts (2 of 4 stars). 4 submissions from 4 submitters: Benign (4). Last evaluated 2026-02-04.

Conditions:
Age related macular degeneration 1 (ARMD1). Also called: MACULOPATHY, AGE-RELATED, 1. Identifiers: MedGen C1864205, MONDO:0011285, OMIM 603075.

Allele frequency attached by ClinVar (database versions not stated): ESP Exome Variant Server 0.34643; gnomAD exomes 0.43155 and 0.46172; 1000 Genomes Project 30x 0.33011; TOPMed 0.34047; gnomAD 0.35742 and 0.35166; ExAC 0.42709; 1000 Genomes Project 0.34305.
gnomAD v4.1: 727,098 of 1,612,866 alleles (45%); highest among the groups gnomAD compares: Non-Finnish European, 48%; 170,460 homozygotes.

Submissions (4):

Labcorp Genetics (formerly Invitae), Labcorp
Classification: Benign. Last evaluated: 2026-02-04. Review status: criteria provided, single submitter. Criteria: Invitae Variant Classification Sherloc (09022015). Collection method: clinical testing. Allele origin: germline.

Genome-Nilou Lab
Classification: Benign for Age related macular degeneration 1. Last evaluated: 2023-04-11. Review status: criteria provided, single submitter. Criteria: ACMG Guidelines, 2015. Collection method: clinical testing. Allele origin: germline. Affected: no.

Illumina Laboratory Services, Illumina
Classification: Benign for Age related macular degeneration 1. Last evaluated: 2018-01-13. Review status: criteria provided, single submitter. Criteria: ICSL Variant Classification Criteria 13 December 2019. Collection method: clinical testing. Allele origin: germline.
Comment: This variant was observed in the ICSL laboratory as part of a predisposition screen in an ostensibly healthy population. It had not been previously curated by ICSL or reported in the Human Gene Mutation Database (HGMD: prior to June 1st, 2018), and was therefore a candidate for classification through an automated scoring system. Utilizing variant allele frequency, disease prevalence and penetrance estimates, and inheritance mode, an automated score was calculated to assess if this variant is too frequent to cause the disease. Based on the score and internal cut-off values, a variant classified as benign is not then subjected to further curation. The score for this variant resulted in a classification of benign for this disease.

Breakthrough Genomics
Classification: Benign. Review status: criteria provided, single submitter. Criteria: ACMG Guidelines, 2015. Collection method: not provided. Allele origin: germline. Inheritance: Autosomal dominant inheritance. Affected: yes.

NM_031935.3(HMCN1):c.4857T>C (p.His1619=)

Gene: HMCN1 (hemicentin 1; plus strand). Cytogenetic location: 1q31.1.
Variant type: single nucleotide variant.
Coding change: c.4857T>C on transcript NM_031935.3 (MANE Select); coding-DNA position 4857, T replaced by C.
Protein change: p.His1619=; no amino-acid change (histidine 1619 retained).
Molecular consequence: synonymous variant.
Genome position (GRCh38, 1-based): chr1:186,015,385, T>C. VCF-style: chr1-186015385-T-C. GRCh37 (hg19) VCF-style: chr1-185984517-T-C.
Identifiers: ClinVar variation 294155 (VCV000294155.14), dbSNP rs6665753, ClinGen allele CA1292116.